The following is an entry in ClinVar:

ClinVar aggregate classification (germline): Pathogenic (1 of 4 stars; one submission).

Conditions:
Autosomal dominant nonsyndromic hearing loss 15 (DFNA15). Also called: Autosomal dominant nonsyndromic hearing loss 52; DEAFNESS, AUTOSOMAL DOMINANT 52. Identifiers: Orphanet 90635, MedGen C1865366, MONDO:0011226, OMIM 602459.

Submission:

Precision Medicine Center, Zhengzhou University
Classification: Pathogenic for Autosomal dominant nonsyndromic hearing loss 15. Last evaluated: 2006-06-30. Review status: criteria provided, single submitter. Criteria: ClinGen HL ACMG Specifications v1. Collection method: clinical testing. Allele origin: maternal. Affected: yes.
Comment: PVS1+PM2:The POU4F3 c.88del variant is a single-nucleotide deletion predicted to cause a frameshift, resulting in a premature termination codon and likely triggering nonsense-mediated mRNA decay or production of a truncated protein. Haploinsufficiency (loss of function) is an established disease mechanism for POU4F3-related autosomal dominant hearing loss; therefore, this variant meets the PVS1 criterion. The variant is absent or extremely rare in population databases, including gnomAD, supporting its rarity in the general population (PM2). Based on the ACMG/AMP guidelines, this variant meets the criteria PVS1 and PM2 and is therefore classified as Pathogenic.

Literature cited by the submitters: PubMed 30192042.

NM_002700.3(POU4F3):c.88del (p.Ala30fs)

Genes: POU4F3 (POU class 4 homeobox 3; plus strand), RBM27-POU4F3 (RBM27-POU4F3 readthrough; plus strand). Cytogenetic location: 5q32.
Variant type: Deletion.
Coding change: c.88del on transcript NM_002700.3 (MANE Select); coding-DNA position 88, one base deleted (G; older notation c.88delG).
Protein change: p.Ala30fs; shifts the reading frame from alanine 30.
Molecular consequence: frameshift variant.
Genome position (GRCh38, 1-based): chr5:146,339,200, G deleted; the last of 2 consecutive G bases (chr5:146,339,199-146,339,200); deleting either gives the same sequence. VCF-style (leftmost placement, unchanged base first): chr5-146339198-AG-A. GRCh37 (hg19) VCF-style: chr5-145718761-AG-A.
Other names: c.2921del, p.Gly974fs (NM_001414499.1); short protein forms A30fs, G974fs.
Identifiers: ClinVar variation 4857380 (VCV004857380.1).